The following is an entry in ClinVar:

ClinVar aggregate classification (germline): Benign/Likely benign. Review status: criteria provided, multiple submitters, no conflicts (2 of 4 stars). 12 submissions from 12 submitters: Benign (9); Likely benign (1). 2 of the submissions do not count toward it. Last evaluated 2026-05-11.

Conditions:
Connective tissue disorder. Also called: Connective tissue disease. Identifiers: MedGen C0009782, MONDO:0003900.
Epiphyseal dysplasia, multiple, 2 (EDM2). Also called: COL9A2-Related Multiple Epiphyseal Dysplasia. Identifiers: MedGen C1838429, MONDO:0010844, OMIM 600204.

Allele frequency attached by ClinVar (database versions not stated): ESP Exome Variant Server 0.01525; 1000 Genomes Project 30x 0.02014; TOPMed 0.02016; 1000 Genomes Project 0.02037; gnomAD exomes 0.02847; ExAC 0.03053.
gnomAD v4.1: 32,405 of 1,549,974 alleles (2.1%); highest among the groups gnomAD compares: Admixed American, 4%; 433 homozygotes.

Submissions (12):

Women's Health and Genetics/Laboratory Corporation of America, LabCorp
Classification: Benign. Last evaluated: 2026-05-11. Review status: criteria provided, single submitter. Criteria: LabCorp Variant Classification Summary - May 2015. Collection method: clinical testing. Allele origin: germline.

Labcorp Genetics (formerly Invitae), Labcorp
Classification: Benign. Last evaluated: 2026-02-04. Review status: criteria provided, single submitter. Criteria: Invitae Variant Classification Sherloc (09022015). Collection method: clinical testing. Allele origin: germline.

Blueprint Genetics
Classification: Likely benign. Last evaluated: 2024-11-26. Review status: criteria provided, single submitter. Criteria: ACMG Guidelines, 2015. Collection method: clinical testing. Allele origin: germline.

Genome Diagnostics Laboratory, The Hospital for Sick Children
Classification: Benign for Connective tissue disorder. Last evaluated: 2022-02-12. Review status: criteria provided, single submitter. Criteria: ACMG Guidelines, 2015. Collection method: clinical testing. Allele origin: germline.

Mayo Clinic Laboratories, Mayo Clinic
Classification: Benign. Last evaluated: 2022-01-30. Review status: criteria provided, single submitter. Criteria: ACMG Guidelines, 2015. Collection method: clinical testing. Allele origin: germline. Observed: 7 variant alleles.

Athena Diagnostics
Classification: Benign. Last evaluated: 2019-03-11. Review status: criteria provided, single submitter. Criteria: Athena Diagnostics Criteria. Collection method: clinical testing. Allele origin: germline.

Illumina Laboratory Services, Illumina
Classification: Benign for Epiphyseal dysplasia, multiple, 2. Last evaluated: 2018-01-12. Review status: criteria provided, single submitter. Criteria: ICSL Variant Classification Criteria 13 December 2019. Collection method: clinical testing. Allele origin: germline.
Comment: This variant was observed in the ICSL laboratory as part of a predisposition screen in an ostensibly healthy population. It had not been previously curated by ICSL or reported in the Human Gene Mutation Database (HGMD: prior to June 1st, 2018), and was therefore a candidate for classification through an automated scoring system. Utilizing variant allele frequency, disease prevalence and penetrance estimates, and inheritance mode, an automated score was calculated to assess if this variant is too frequent to cause the disease. Based on the score and internal cut-off values, a variant classified as benign is not then subjected to further curation. The score for this variant resulted in a classification of benign for this disease.

GeneDx
Classification: Benign. Last evaluated: 2016-11-04. Review status: criteria provided, single submitter. Criteria: GeneDx Variant Classification (06012015). Collection method: clinical testing. Allele origin: germline. Affected: yes.
Comment: This variant is considered likely benign or benign based on one or more of the following criteria: it is a conservative change, it occurs at a poorly conserved position in the protein, it is predicted to be benign by multiple in silico algorithms, and/or has population frequency not consistent with disease.

Breakthrough Genomics
Classification: Benign. Review status: criteria provided, single submitter. Criteria: ACMG Guidelines, 2015. Collection method: not provided. Allele origin: germline. Inheritance: Autosomal recessive inheritance. Affected: yes.

PreventionGenetics, part of Exact Sciences
Classification: Benign. Review status: criteria provided, single submitter. Criteria: ACMG Guidelines, 2015. Collection method: clinical testing. Allele origin: germline.

Genome Diagnostics Laboratory, Amsterdam University Medical Center
Classification: Benign. Review status: no assertion criteria provided. Collection method: clinical testing. Allele origin: germline. Affected: yes. Study: VKGL Data-share Consensus. Not counted in ClinVar's aggregate classification.

Joint Genome Diagnostic Labs from Nijmegen and Maastricht, Radboudumc and MUMC+
Classification: Benign. Review status: no assertion criteria provided. Collection method: clinical testing. Allele origin: germline. Affected: yes. Study: VKGL Data-share Consensus. Not counted in ClinVar's aggregate classification.

NM_001852.4(COL9A2):c.1161+10T>A

Gene: COL9A2 (collagen type IX alpha 2 chain; minus strand). Cytogenetic location: 1p34.2.
Variant type: single nucleotide variant.
Coding change: c.1161+10T>A on transcript NM_001852.4 (MANE Select); 10 bases into the intron after coding-DNA position 1161, T replaced by A.
Molecular consequence: intron variant.
Genome position (GRCh38, 1-based): chr1:40,304,784, A>T on the plus strand (T>A on the coding strand, the complement: COL9A2 is on the minus strand). VCF-style: chr1-40304784-A-T. GRCh37 (hg19) VCF-style: chr1-40770456-A-T.
Other names: p.?.
Identifiers: ClinVar variation 258367 (VCV000258367.25), dbSNP rs117563156, ClinGen allele CA791570.